The following is an entry in ClinVar:

ClinVar aggregate classification (germline): Uncertain significance (1 of 4 stars; one submission).

Conditions:
Sulfite oxidase deficiency. Also called: Isolated sulfite oxidase deficiency. Identifiers: Orphanet 833, Orphanet 99731, MedGen C0268624, MONDO:0010089, OMIM 272300, HP:0003643.

Allele frequency attached by ClinVar (database versions not stated): gnomAD exomes below 0.00001; TOPMed below 0.00001.

Submission:

Labcorp Genetics (formerly Invitae), Labcorp
Classification: Uncertain significance for Sulfite oxidase deficiency. Last evaluated: 2021-12-27. Review status: criteria provided, single submitter. Criteria: Invitae Variant Classification Sherloc (09022015). Collection method: clinical testing. Allele origin: germline.
Comment: This sequence change replaces arginine, which is basic and polar, with histidine, which is basic and polar, at codon 376 of the SUOX protein (p.Arg376His). This variant is not present in population databases (gnomAD no frequency). This variant has not been reported in the literature in individuals affected with SUOX-related conditions. Algorithms developed to predict the effect of missense changes on protein structure and function (SIFT, PolyPhen-2, Align-GVGD) all suggest that this variant is likely to be disruptive. In summary, the available evidence is currently insufficient to determine the role of this variant in disease. Therefore, it has been classified as a Variant of Uncertain Significance.

NM_001032386.2(SUOX):c.1127G>A (p.Arg376His)

Gene: SUOX (sulfite oxidase; plus strand). Cytogenetic location: 12q13.2.
Variant type: single nucleotide variant.
Coding change: c.1127G>A on transcript NM_001032386.2 (MANE Select); coding-DNA position 1127, G replaced by A.
Protein change: p.Arg376His; replaces arginine 376 with histidine.
Molecular consequence: missense variant.
Genome position (GRCh38, 1-based): chr12:56,004,516, G>A. VCF-style: chr12-56004516-G-A. GRCh37 (hg19) VCF-style: chr12-56398300-G-A.
Other names: c.1127G>A, p.Arg376His (NM_000456.3, NM_001032387.2); short protein forms R376H.
Identifiers: ClinVar variation 2185548 (VCV002185548.1), dbSNP rs745502045, ClinGen allele CA385291207.